The following is an entry in ClinVar:

ClinVar aggregate classification (germline): Conflicting classifications of pathogenicity. Review status: criteria provided, conflicting classifications (1 of 4 stars). 4 submissions from 4 submitters: Uncertain significance (1); Likely benign (3). Last evaluated 2026-01-28.

Conditions:
Sandhoff disease. Also called: Beta-hexosaminidase-beta-subunit deficiency; GM2 gangliosidosis, type 2; Total hexosaminidase deficiency; Sandhoff-Jatzkewitz-Pilz disease; GM2-GANGLIOSIDOSIS, TYPE II; HEXOSAMINIDASES A AND B DEFICIENCY. Identifiers: Orphanet 796, MedGen C0036161, MONDO:0010006, OMIM 268800.

Allele frequency attached by ClinVar (database versions not stated): ESP Exome Variant Server 0.00054; 1000 Genomes Project 30x 0.00062; gnomAD 0.00062 and 0.00066; 1000 Genomes Project 0.00080; TOPMed 0.00080; gnomAD exomes 0.00092 and 0.00098; ExAC 0.00105.
gnomAD v4.1: 1,557 of 1,613,566 alleles (0.096%); highest among the groups gnomAD compares: Middle Eastern, 1.2%; 9 homozygotes.

Submissions (6):

Labcorp Genetics (formerly Invitae), Labcorp
Classification: Likely benign for Sandhoff disease. Last evaluated: 2026-01-28. Review status: criteria provided, single submitter. Criteria: Invitae Variant Classification Sherloc (09022015). Collection method: clinical testing. Allele origin: germline.

Mayo Clinic Laboratories, Mayo Clinic
Classification: Likely benign. Last evaluated: 2024-11-18. Review status: criteria provided, single submitter. Criteria: ACMG Guidelines, 2015. Collection method: clinical testing. Allele origin: germline. Observed: 1 variant allele.
Comment: BS1

Blueprint Genetics
Classification: Likely benign. Last evaluated: 2024-11-12. Review status: criteria provided, single submitter. Criteria: ACMG Guidelines, 2015. Collection method: clinical testing. Allele origin: germline.

Illumina Laboratory Services, Illumina
Classification: Uncertain significance for Sandhoff disease. Last evaluated: 2018-01-13. Review status: criteria provided, single submitter. Criteria: ICSL Variant Classification Criteria 13 December 2019. Collection method: clinical testing. Allele origin: germline.

Dr. Peter K. Rogan Lab, Western University
No classification provided (evidence only). Condition: Sarcoma. Review status: no classification provided. Collection method: in vitro. Allele origin: not applicable. Functional consequence: retained intron. Not counted in ClinVar's aggregate classification.

Dr. Peter K. Rogan Lab, Western University
No classification provided (evidence only). Condition: Ovarian serous cystadenocarcinoma. Review status: no classification provided. Collection method: in vitro. Allele origin: not applicable. Functional consequence: retained intron. Not counted in ClinVar's aggregate classification.

NM_000521.4(HEXB):c.1417+11C>T

Gene: HEXB (hexosaminidase subunit beta; plus strand). Cytogenetic location: 5q13.3.
Variant type: single nucleotide variant.
Coding change: c.1417+11C>T on transcript NM_000521.4 (MANE Select); 11 bases into the intron after coding-DNA position 1417, C replaced by T.
Molecular consequence: intron variant.
Genome position (GRCh38, 1-based): chr5:74,718,982, C>T. VCF-style: chr5-74718982-C-T. GRCh37 (hg19) VCF-style: chr5-74014807-C-T.
Other names: p.?; c.742+11C>T (NM_001292004.2).
Identifiers: ClinVar variation 903867 (VCV000903867.16), dbSNP rs146572414, ClinGen allele CA3306128.
Genomic context (GRCh38, chr5:74,718,982, plus strand): 5'-TGGACAAGATTGGAGGAAATACTATAAAGTGGAACCTCTTGATTTTGGCGGTAAGTGAAG[C>T]AGTTGGTCCAAGTGTTGTGGGTTACTGTGAAGCTGATGGTAAGTGAAGCAACCATTGTTA-3'